The following is an entry in ClinVar:

NM_001127208.3(TET2):c.993A>G (p.Ile331Met)

Genes: TET2 (tet methylcytosine dioxygenase 2; plus strand), TET2-AS1 (TET2 antisense RNA 1; minus strand). Cytogenetic location: 4q24.
Variant type: single nucleotide variant.
Coding change: c.993A>G on transcript NM_001127208.3 (MANE Select); coding-DNA position 993, A replaced by G.
Protein change: p.Ile331Met; replaces isoleucine 331 with methionine.
Molecular consequence: missense variant.
Genome position (GRCh38, 1-based): chr4:105,234,935, A>G. VCF-style: chr4-105234935-A-G. GRCh37 (hg19) VCF-style: chr4-106156092-A-G.
Other names: c.993A>G, p.Ile331Met (NM_017628.4); short protein forms I331M.
Identifiers: ClinVar variation 4827247 (VCV004827247.1).
Genomic context (GRCh38, chr4:105,234,935, plus strand): 5'-AAATACCTGTTCCTTTCAGAAACCAGAACAACTACAACAACAAAAATCAGTTTTTGAGAT[A>G]TGCCCATCTCCTGCAGAAAATAACATCCAGGGAACCACAAAGCTAGCGTCTGGTGAAGAA-3'
Protein context (NP_001120680.1, residues 321-341): QLQQQKSVFE[Ile331Met]CPSPAENNIQ

ClinVar aggregate classification (germline): Uncertain significance (1 of 4 stars; one submission).

Submission:

Ambry Genetics
Classification: Uncertain significance. Last evaluated: 2026-02-26. Review status: criteria provided, single submitter. Criteria: Ambry Variant Classification Scheme 2023. Collection method: clinical testing. Allele origin: germline.
Comment: The p.I331M variant (also known as c.993A>G), located in coding exon 1 of the TET2 gene, results from an A to G substitution at nucleotide position 993. The isoleucine at codon 331 is replaced by methionine, an amino acid with highly similar properties. This amino acid position is conserved. In addition, this alteration is predicted to be tolerated by in silico analysis. Based on the available evidence, the clinical significance of this variant remains unclear.